The following is an entry in ClinVar:

NM_020066.5(FMN2):c.2852_2853insA (p.Ala952fs)

Gene: FMN2 (formin 2; plus strand). Cytogenetic location: 1q43.
Variant type: Insertion.
Coding change: c.2852_2853insA on transcript NM_020066.5 (MANE Select); coding-DNA positions 2852 to 2853, A inserted.
Protein change: p.Ala952fs; shifts the reading frame from alanine 952.
Molecular consequence: frameshift variant. On other transcripts: intron variant (1).
Genome position: GRCh38 VCF-style: chr1-240207664-C-CA. GRCh37 (hg19) VCF-style: chr1-240370964-C-CA.
Other names: c.2864_2865insA, p.Ala956fs (NM_001305424.2); c.1986+19402_1986+19403insA (NM_001348094.2); short protein forms A952fs, A956fs.
Identifiers: ClinVar variation 3042171 (VCV003042171.1), dbSNP rs756272771, ClinGen allele CA1476809.

ClinVar aggregate classification (germline): Likely benign (1 of 4 stars; one submission).

Conditions:
FMN2-related disorder. Also called: FMN2-related condition.

Allele frequency attached by ClinVar (database versions not stated): ExAC 0.00153; gnomAD 0.00716; gnomAD exomes 0.01105.

Submission:

PreventionGenetics, part of Exact Sciences
Classification: Likely benign for FMN2-related condition. Last evaluated: 2019-10-24. Review status: criteria provided, single submitter. Criteria: ACMG Guidelines, 2015. Collection method: clinical testing. Allele origin: germline.
Comment: This variant is classified as likely benign based on ACMG/AMP sequence variant interpretation guidelines (Richards et al. 2015 PMID: 25741868, with internal and published modifications).